The following is an entry in ClinVar:

NM_033068.3(ACP4):c.654C>T (p.His218=)

Gene: ACP4 (acid phosphatase 4; plus strand). Cytogenetic location: 19q13.33.
Variant type: single nucleotide variant.
Coding change: c.654C>T on transcript NM_033068.3 (MANE Select); coding-DNA position 654, C replaced by T.
Protein change: p.His218=; no amino-acid change (histidine 218 retained).
Molecular consequence: synonymous variant.
Genome position (GRCh38, 1-based): chr19:50,793,692, C>T. VCF-style: chr19-50793692-C-T. GRCh37 (hg19) VCF-style: chr19-51296949-C-T.
Identifiers: ClinVar variation 3048815 (VCV003048815.2), dbSNP rs199516428, ClinGen allele CA9603097.

ClinVar aggregate classification (germline): Likely benign (0 of 4 stars; one submission).

Conditions:
ACP4-related disorder. Also called: ACP4-related condition.

Allele frequency attached by ClinVar (database versions not stated): ESP Exome Variant Server 0.00008; TOPMed 0.00017; gnomAD 0.00025; gnomAD exomes 0.00030; ExAC 0.00037.

Submission:

PreventionGenetics, part of Exact Sciences
Classification: Likely benign for ACP4-related condition. Last evaluated: 2019-04-04. Review status: no assertion criteria provided. Collection method: clinical testing. Allele origin: germline.
Comment: This variant is classified as likely benign based on ACMG/AMP sequence variant interpretation guidelines (Richards et al. 2015 PMID: 25741868, with internal and published modifications).